The following is an entry in ClinVar:

ClinVar aggregate classification (germline): Uncertain significance. Review status: criteria provided, multiple submitters, no conflicts (2 of 4 stars). 2 submissions from 2 submitters: Uncertain significance (2). Last evaluated 2025-07-30.

Conditions:
Hereditary pheochromocytoma and paraganglioma. Also called: Hereditary paragangliomas and pheochromocytomas; Hereditary Paraganglioma-Pheochromocytoma Syndromes; Hereditary pheochromocytoma-paraganglioma. Identifiers: Orphanet 29072, MedGen C4274332, MONDO:0017366.
Hereditary cancer-predisposing syndrome. Also called: Tumor predisposition; Hereditary Cancer Syndrome; Hereditary neoplastic syndrome; Neoplastic Syndromes, Hereditary. Identifiers: Orphanet 140162, MedGen C0027672, MeSH D009386, MONDO:0015356.

Allele frequency attached by ClinVar (database versions not stated): gnomAD exomes below 0.00001 and 0.00001; TOPMed below 0.00001; gnomAD 0.00001.
gnomAD v4.1: 12 of 1,611,718 alleles (0.00074%); highest among the groups gnomAD compares: Admixed American, 0.0017%; no homozygotes.

Submissions (2):

Labcorp Genetics (formerly Invitae), Labcorp
Classification: Uncertain significance for Hereditary pheochromocytoma and paraganglioma. Last evaluated: 2025-07-30. Review status: criteria provided, single submitter. Criteria: Invitae Variant Classification Sherloc (09022015). Collection method: clinical testing. Allele origin: germline.
Comment: This sequence change replaces proline, which is neutral and non-polar, with serine, which is neutral and polar, at codon 77 of the TMEM127 protein (p.Pro77Ser). The frequency data for this variant in the population databases is considered unreliable, as metrics indicate poor data quality at this position in the gnomAD database. This variant has not been reported in the literature in individuals affected with TMEM127-related conditions. ClinVar contains an entry for this variant (Variation ID: 1369492). An algorithm developed to predict the effect of missense changes on protein structure and function (PolyPhen-2) suggests that this variant is likely to be tolerated. In summary, the available evidence is currently insufficient to determine the role of this variant in disease. Therefore, it has been classified as a Variant of Uncertain Significance.

Ambry Genetics
Classification: Uncertain significance for Hereditary cancer-predisposing syndrome. Last evaluated: 2025-06-12. Review status: criteria provided, single submitter. Criteria: Ambry Variant Classification Scheme 2023. Collection method: clinical testing. Allele origin: germline.
Comment: The p.P77S variant (also known as c.229C>T), located in coding exon 1 of the TMEM127 gene, results from a C to T substitution at nucleotide position 229. The proline at codon 77 is replaced by serine, an amino acid with similar properties. This amino acid position is highly conserved in available vertebrate species. In addition, the in silico prediction for this alteration is inconclusive. Since supporting evidence is limited at this time, the clinical significance of this alteration remains unclear.

NM_017849.4(TMEM127):c.229C>T (p.Pro77Ser)

Gene: TMEM127 (transmembrane protein 127; minus strand). Cytogenetic location: 2q11.2.
Variant type: single nucleotide variant.
Coding change: c.229C>T on transcript NM_017849.4 (MANE Select); coding-DNA position 229, C replaced by T.
Protein change: p.Pro77Ser; replaces proline 77 with serine.
Molecular consequence: missense variant.
Genome position (GRCh38, 1-based): chr2:96,265,153, G>A on the plus strand (C>T on the coding strand, the complement: TMEM127 is on the minus strand). VCF-style: chr2-96265153-G-A. GRCh37 (hg19) VCF-style: chr2-96930891-G-A.
Other names: c.229C>T, p.Pro77Ser (NM_001193304.3); short protein forms P77S.
Identifiers: ClinVar variation 1369492 (VCV001369492.9), dbSNP rs1390685113, ClinGen allele CA347655852.